The following is an entry in ClinVar:

ClinVar aggregate classification (germline): Uncertain significance (1 of 4 stars; one submission).

Submission:

GeneDx
Classification: Uncertain significance. Last evaluated: 2024-05-29. Review status: criteria provided, single submitter. Criteria: GeneDx Variant Classification Process June 2021. Collection method: clinical testing. Allele origin: germline. Affected: yes.
Comment: Not observed at significant frequency in large population cohorts (gnomAD); In silico analysis supports that this missense variant has a deleterious effect on protein structure/function; Has not been previously published as pathogenic or benign to our knowledge

NM_019066.5(MAGEL2):c.3327G>C (p.Lys1109Asn)

Gene: MAGEL2 (MAGE family member L2; minus strand). Cytogenetic location: 15q11.2.
Variant type: single nucleotide variant.
Coding change: c.3327G>C on transcript NM_019066.5 (MANE Select); coding-DNA position 3327, G replaced by C.
Protein change: p.Lys1109Asn; replaces lysine 1109 with asparagine.
Molecular consequence: missense variant.
Genome position (GRCh38, 1-based): chr15:23,644,416, C>G on the plus strand (G>C on the coding strand, the complement: MAGEL2 is on the minus strand). VCF-style: chr15-23644416-C-G. GRCh37 (hg19) VCF-style: chr15-23889563-C-G.
Other names: short protein forms K1109N.
Identifiers: ClinVar variation 3383440 (VCV003383440.1).